The following is an entry in ClinVar:

ClinVar aggregate classification (germline): Likely pathogenic (1 of 4 stars; one submission).

Submission:

Labcorp Genetics (formerly Invitae), Labcorp
Classification: Likely pathogenic. Last evaluated: 2022-07-11. Review status: criteria provided, single submitter. Criteria: Invitae Variant Classification Sherloc (09022015). Collection method: clinical testing. Allele origin: germline.
Comment: In summary, the currently available evidence indicates that the variant is pathogenic, but additional data are needed to prove that conclusively. Therefore, this variant has been classified as Likely Pathogenic. Algorithms developed to predict the effect of sequence changes on RNA splicing suggest that this variant may disrupt the consensus splice site. This variant has not been reported in the literature in individuals affected with CAD-related conditions. This variant is not present in population databases (gnomAD no frequency). This sequence change affects an acceptor splice site in intron 26 of the CAD gene. It is expected to disrupt RNA splicing. Variants that disrupt the donor or acceptor splice site typically lead to a loss of protein function (PMID: 16199547), and loss-of-function variants in CAD are known to be pathogenic (PMID: 28007989, 32117025, 32820246, 33497533).

Literature cited by the submitters: PubMed 16199547; PubMed 28007989; PubMed 32117025; PubMed 32820246; PubMed 33497533.

NM_004341.5(CAD):c.4315-2A>T

Gene: CAD (carbamoyl-phosphate synthetase 2, aspartate transcarbamylase, and dihydroorotase; plus strand). Cytogenetic location: 2p23.3.
Variant type: single nucleotide variant.
Coding change: c.4315-2A>T on transcript NM_004341.5 (MANE Select); the canonical splice acceptor site of the intron before coding-DNA position 4315, A replaced by T.
Molecular consequence: splice acceptor variant.
Genome position (GRCh38, 1-based): chr2:27,236,747, A>T. VCF-style: chr2-27236747-A-T. GRCh37 (hg19) VCF-style: chr2-27459615-A-T.
Other names: c.4126-2A>T (NM_001306079.2).
Identifiers: ClinVar variation 2090435 (VCV002090435.4), dbSNP rs2465342847, ClinGen allele CA346219371.